The following is an entry in ClinVar:

NM_000138.5(FBN1):c.274G>A (p.Gly92Arg)

Gene: FBN1 (fibrillin 1; minus strand). Cytogenetic location: 15q21.1.
Variant type: single nucleotide variant.
Coding change: c.274G>A on transcript NM_000138.5 (MANE Select); coding-DNA position 274, G replaced by A.
Protein change: p.Gly92Arg; replaces glycine 92 with arginine.
Molecular consequence: missense variant.
Genome position (GRCh38, 1-based): chr15:48,610,800, C>T on the plus strand (G>A on the coding strand, the complement: FBN1 is on the minus strand). VCF-style: chr15-48610800-C-T. GRCh37 (hg19) VCF-style: chr15-48902997-C-T.
Other names: c.274G>A, p.Gly92Arg (NM_001406716.1, NM_001406717.1); short protein forms G92R.
Identifiers: ClinVar variation 1325411 (VCV001325411.11), dbSNP rs2140734026, ClinGen allele CA392447059.
Genomic context (GRCh38, chr15:48,610,800, plus strand): 5'-CACAGGAAGGAGCTATCTGACCAGATGGGCAAGTGCACATATTTGGCCTCGAACAAAATC[C>T]ATCCCCACAGGAATGCCGGCAAATGGCTGTGAATAAACCAGAGGTCTGTTAGCACATGGA-3'
Protein context (NP_000129.3, residues 82-102): VPICRHSCGD[Gly92Arg]FCSRPNMCTC

ClinVar aggregate classification (germline): Likely pathogenic. Review status: criteria provided, multiple submitters, no conflicts (2 of 4 stars). 2 submissions from 2 submitters: Likely pathogenic (2). Last evaluated 2021-08-04.

Conditions:
Marfan syndrome (MFS). Also called: Marfan syndrome type 1; Marfan's syndrome; FBN1-Related Marfan Syndrome; MARFAN SYNDROME, TYPE I; Marfan syndrome, classic. Identifiers: Orphanet 284963, Orphanet 558, MedGen C0024796, MONDO:0007947, OMIM 154700.
Familial thoracic aortic aneurysm and aortic dissection (TAAD). Also called: Thoracic aortic aneurysms and dissections. Identifiers: Orphanet 91387, MedGen C4707243, MONDO:0019625.

Submissions (2):

Labcorp Genetics (formerly Invitae), Labcorp
Classification: Likely pathogenic for Marfan syndrome; Familial thoracic aortic aneurysm and aortic dissection. Last evaluated: 2021-08-04. Review status: criteria provided, single submitter. Criteria: Invitae Variant Classification Sherloc (09022015). Collection method: clinical testing. Allele origin: germline.
Comment: This variant disrupts the p.Gly92 amino acid residue in FBN1. Other variant(s) that disrupt this residue have been observed in individuals with FBN1-related conditions (PMID: 31730815), which suggests that this may be a clinically significant amino acid residue. In summary, the currently available evidence indicates that the variant is pathogenic, but additional data are needed to prove that conclusively. Therefore, this variant has been classified as Likely Pathogenic. This sequence change replaces glycine with arginine at codon 92 of the FBN1 protein (p.Gly92Arg). The glycine residue is highly conserved and there is a moderate physicochemical difference between glycine and arginine. This variant is not present in population databases (ExAC no frequency). This variant has been observed in individual(s) with clinical features of Marfan syndrome (PMID: 25907466, Invitae). Advanced modeling of protein sequence and biophysical properties (such as structural, functional, and spatial information, amino acid conservation, physicochemical variation, residue mobility, and thermodynamic stability) performed at Invitae indicates that this missense variant is expected to disrupt FBN1 protein function. Algorithms developed to predict the effect of sequence changes on RNA splicing suggest that this variant may create or strengthen a splice site, but this prediction has not been confirmed by published transcriptional studies.

Centre of Medical Genetics, University of Antwerp
Classification: Likely pathogenic for Marfan syndrome. Last evaluated: 2021-03-01. Review status: criteria provided, single submitter. Criteria: Submitter's publication. Collection method: research. Allele origin: unknown. Affected: yes.
Comment: PM2, PP3, PS6, PP4

Literature cited by the submitters: PubMed 31730815 (cited by Labcorp Genetics (formerly Invitae), Labcorp); PubMed 25907466 (cited by Labcorp Genetics (formerly Invitae), Labcorp).